The following is an entry in ClinVar:

ClinVar aggregate classification (germline): Uncertain significance (1 of 4 stars; one submission).

Allele frequency attached by ClinVar (database versions not stated): gnomAD exomes below 0.00001.
gnomAD v4.1: 1 of 1,614,204 alleles (0.000062%); highest among the groups gnomAD compares: East Asian, 0.0022%; no homozygotes.

Submission:

Labcorp Genetics (formerly Invitae), Labcorp
Classification: Uncertain significance. Last evaluated: 2024-07-25. Review status: criteria provided, single submitter. Criteria: Invitae Variant Classification Sherloc (09022015). Collection method: clinical testing. Allele origin: germline.
Comment: This sequence change creates a premature translational stop signal (p.Gln772*) in the A2ML1 gene. It is expected to result in an absent or disrupted protein product. However, the current clinical and genetic evidence is not sufficient to establish whether loss-of-function variants in A2ML1 cause disease. This variant is present in population databases (no rsID available, gnomAD 0.006%). This variant has not been reported in the literature in individuals affected with A2ML1-related conditions. ClinVar contains an entry for this variant (Variation ID: 2202116). In summary, the available evidence is currently insufficient to determine the role of this variant in disease. Therefore, it has been classified as a Variant of Uncertain Significance.

NM_144670.6(A2ML1):c.2314C>T (p.Gln772Ter)

Gene: A2ML1 (alpha-2-macroglobulin like 1; plus strand). Cytogenetic location: 12p13.31.
Variant type: single nucleotide variant.
Coding change: c.2314C>T on transcript NM_144670.6 (MANE Select); coding-DNA position 2314, C replaced by T.
Protein change: p.Gln772Ter; replaces glutamine 772 with a stop codon.
Molecular consequence: nonsense.
Genome position (GRCh38, 1-based): chr12:8,851,863, C>T. VCF-style: chr12-8851863-C-T. GRCh37 (hg19) VCF-style: chr12-9004459-C-T.
Other names: c.841C>T, p.Gln281Ter (NM_001282424.3); short protein forms Q772*, Q281*.
Identifiers: ClinVar variation 2202116 (VCV002202116.4), dbSNP rs1401680636, ClinGen allele CA383833229.